The following is an entry in ClinVar:

NM_020765.3(UBR4):c.3861C>G (p.Thr1287=)

Gene: UBR4 (ubiquitin protein ligase E3 component n-recognin 4; minus strand). Cytogenetic location: 1p36.13.
Variant type: single nucleotide variant.
Coding change: c.3861C>G on transcript NM_020765.3 (MANE Select); coding-DNA position 3861, C replaced by G.
Protein change: p.Thr1287=; no amino-acid change (threonine 1287 retained).
Molecular consequence: synonymous variant.
Genome position (GRCh38, 1-based): chr1:19,168,065, G>C on the plus strand (C>G on the coding strand, the complement: UBR4 is on the minus strand). VCF-style: chr1-19168065-G-C. GRCh37 (hg19) VCF-style: chr1-19494559-G-C.
Identifiers: ClinVar variation 2638424 (VCV002638424.24), dbSNP rs138382303, ClinGen allele CA651008.

ClinVar aggregate classification (germline): Likely benign (1 of 4 stars; one submission).

Allele frequency attached by ClinVar (database versions not stated): 1000 Genomes Project 0.00020; gnomAD 0.00045; TOPMed 0.00048; 1000 Genomes Project 30x 0.00016; ExAC 0.00050; ESP Exome Variant Server 0.00069.
gnomAD v4.1: 677 of 1,613,678 alleles (0.042%); highest among the groups gnomAD compares: Middle Eastern, 0.099%; no homozygotes.

Submission:

CeGaT Center for Human Genetics Tuebingen
Classification: Likely benign. Last evaluated: 2023-04-01. Review status: criteria provided, single submitter. Criteria: CeGaT Center For Human Genetics Tuebingen Variant Classification Criteria Version 2. Collection method: clinical testing. Allele origin: germline. Affected: yes. Observed: 1 variant allele.
Comment: UBR4: BP4, BP7, BS1